The following is an entry in ClinVar:

ClinVar aggregate classification (germline): Uncertain significance (1 of 4 stars; one submission).

Conditions:
Pleuropulmonary blastoma (PPB). Identifiers: Orphanet 64742, MedGen C1266144, MONDO:0011014, OMIM 601200, HP:0100528.

Submission:

MGZ Medical Genetics Center
Classification: Uncertain significance for Pleuropulmonary blastoma. Last evaluated: 2022-02-23. Review status: criteria provided, single submitter. Criteria: ACMG Guidelines, 2015. Collection method: clinical testing. Allele origin: germline. Affected: yes. Observed: 1 variant allele.
Comment: ACMG criteria applied: PVS1_MOD, PM2_SUP

NM_177438.3(DICER1):c.5670del (p.Phe1890fs)

Gene: DICER1 (dicer 1, ribonuclease III; minus strand). Cytogenetic location: 14q32.13.
Variant type: Deletion.
Coding change: c.5670del on transcript NM_177438.3 (MANE Select); coding-DNA position 5670, one base deleted (T; older notation c.5670delT).
Protein change: p.Phe1890fs; shifts the reading frame from phenylalanine 1890.
Molecular consequence: frameshift variant. On other transcripts: 3 prime UTR variant (1), non-coding transcript variant (6).
Genome position (GRCh38, 1-based): chr14:95,090,597, A deleted on the plus strand (T on the coding strand, the reverse complement: DICER1 is on the minus strand); the first of 3 consecutive A bases (chr14:95,090,597-95,090,599); deleting any one gives the same sequence. VCF-style (leftmost placement, unchanged base first): chr14-95090596-TA-T. GRCh37 (hg19) VCF-style: chr14-95556933-TA-T.
Other names: c.*17del (NM_001195573.1); c.5670del, p.Phe1890fs (NM_001271282.3, NM_001291628.2, NM_001395677.1 and 7 more transcripts); c.5668delT, p.Phe1890Leufs (NM_001395681.1); c.5388del, p.Phe1796fs (NM_001395686.1); c.5265del, p.Phe1755fs (NM_001395687.1, NM_001395688.1, NM_001395689.1 and 1 more transcripts); c.5103del, p.Phe1701fs (NM_001395691.1); c.3987del, p.Phe1329fs (NM_001395697.1); short protein forms F1329fs, F1701fs, F1755fs, F1796fs, F1890fs.
Identifiers: ClinVar variation 1710073 (VCV001710073.2), dbSNP rs2542391091, ClinGen allele CA2580088960.